The following is an entry in ClinVar:

NM_021625.5(TRPV4):c.2236C>G (p.Arg746Gly)

Gene: TRPV4 (transient receptor potential cation channel subfamily V member 4; minus strand). Cytogenetic location: 12q24.11.
Variant type: single nucleotide variant.
Coding change: c.2236C>G on transcript NM_021625.5 (MANE Select); coding-DNA position 2236, C replaced by G.
Protein change: p.Arg746Gly; replaces arginine 746 with glycine.
Molecular consequence: missense variant.
Genome position (GRCh38, 1-based): chr12:109,786,810, G>C on the plus strand (C>G on the coding strand, the complement: TRPV4 is on the minus strand). VCF-style: chr12-109786810-G-C. GRCh37 (hg19) VCF-style: chr12-110224615-G-C.
Other names: c.2056C>G, p.Arg686Gly (NM_147204.3); c.2095C>G, p.Arg699Gly (NM_001177428.2); c.2134C>G, p.Arg712Gly (NM_001177431.2); c.1915C>G, p.Arg639Gly (NM_001177433.2); short protein forms R746G, R686G, R699G, R639G, R712G.
Identifiers: ClinVar variation 307123 (VCV000307123.9), dbSNP rs375189134, ClinGen allele CA10640142.

ClinVar aggregate classification (germline): Uncertain significance. Review status: criteria provided, multiple submitters, no conflicts (2 of 4 stars). 7 submissions from 2 submitters: Uncertain significance (7). Last evaluated 2022-07-02.

Conditions:
Scapuloperoneal spinal muscular atrophy (SPSMA). Also called: Scapuloperoneal Spinal Muscular Atrophy, TRPV4-Related; AMYOTROPHY, NEUROGENIC SCAPULOPERONEAL, NEW ENGLAND TYPE; Scapuloperoneal Form of Spinal Muscular Atrophy; Scapuloperoneal spinal muscular atrophy, autosomal dominant. Identifiers: Orphanet 431255, MedGen C0751335, MONDO:0008408, OMIM 181405.
Charcot-Marie-Tooth disease axonal type 2C (HMSN2C). Also called: Charcot-Marie-Tooth Disease Type 2, TRPV4-Related (CMT2C); CHARCOT-MARIE-TOOTH DISEASE, AXONAL, AUTOSOMAL DOMINANT, TYPE 2C; Charcot-Marie-Tooth Neuropathy Type 2C. Identifiers: Orphanet 99937, MedGen C1853710, MONDO:0011633, OMIM 606071.
Brachyrachia (short spine dysplasia) (BCYM3). Also called: BRACHYRACHIA; Autosomal dominant brachyolmia; Brachyolmia, TRPV4-Related; Brachyolmia Type 3. Identifiers: Orphanet 93304, MedGen C0432227, MONDO:0007232, OMIM 113500.
Spondylometaphyseal dysplasia, Kozlowski type (SMDK). Also called: Dysmorphism arthrogryposis skeletal maturation advanced; Jequier-Kozlowski syndrome; Skeletal dysplasia Jequier-Kozlowski type; SMD Kozlowski type; Spondylometaphyseal Dysplasia, TRPV4-Related (Kozlowski Type). Identifiers: Orphanet 93314, MedGen C0265280, MONDO:0008477, OMIM 184252.
Neuronopathy, distal hereditary motor, autosomal dominant 8. Also called: Autosomal dominant congenital benign spinal muscular atrophy; SPINAL MUSCULAR ATROPHY, CONGENITAL BENIGN, WITH CONTRACTURES; NEURONOPATHY, DISTAL HEREDITARY MOTOR, TYPE VIII; NEUROPATHY, DISTAL HEREDITARY MOTOR, TYPE VIII. Identifiers: Orphanet 1216, MedGen C1838492, MONDO:0010839, OMIM 600175.
Metatropic dysplasia (MTD). Also called: Metatropic Dysplasia, TRPV4-Related; METATROPIC DWARFISM; Metatropic dysplasia, nonlethal dominant. Identifiers: Orphanet 2635, MedGen C0265281, MONDO:0007986, OMIM 156530.

Allele frequency attached by ClinVar (database versions not stated): gnomAD 0.00001; TOPMed 0.00001.
gnomAD v4.1: 5 of 1,613,872 alleles (0.00031%); highest among the groups gnomAD compares: Non-Finnish European, 0.00042%; no homozygotes.

Submissions (7):

Labcorp Genetics (formerly Invitae), Labcorp
Classification: Uncertain significance for Charcot-Marie-Tooth disease axonal type 2C. Last evaluated: 2022-07-02. Review status: criteria provided, single submitter. Criteria: Invitae Variant Classification Sherloc (09022015). Collection method: clinical testing. Allele origin: germline.
Comment: In summary, the available evidence is currently insufficient to determine the role of this variant in disease. Therefore, it has been classified as a Variant of Uncertain Significance. Advanced modeling of protein sequence and biophysical properties (such as structural, functional, and spatial information, amino acid conservation, physicochemical variation, residue mobility, and thermodynamic stability) performed at Invitae indicates that this missense variant is expected to disrupt TRPV4 protein function. ClinVar contains an entry for this variant (Variation ID: 307123). This variant has not been reported in the literature in individuals affected with TRPV4-related conditions. This variant is not present in population databases (gnomAD no frequency). This sequence change replaces arginine, which is basic and polar, with glycine, which is neutral and non-polar, at codon 746 of the TRPV4 protein (p.Arg746Gly).

Illumina Laboratory Services, Illumina
Classification: Uncertain significance for Metatropic dysplasia. Last evaluated: 2018-01-12. Review status: criteria provided, single submitter. Criteria: ICSL Variant Classification Criteria 13 December 2019. Collection method: clinical testing. Allele origin: germline.

Illumina Laboratory Services, Illumina
Classification: Uncertain significance for Neuronopathy, distal hereditary motor, autosomal dominant 8. Last evaluated: 2018-01-12. Review status: criteria provided, single submitter. Criteria: ICSL Variant Classification Criteria 13 December 2019. Collection method: clinical testing. Allele origin: germline.

Illumina Laboratory Services, Illumina
Classification: Uncertain significance for Brachyrachia (short spine dysplasia). Last evaluated: 2018-01-12. Review status: criteria provided, single submitter. Criteria: ICSL Variant Classification Criteria 13 December 2019. Collection method: clinical testing. Allele origin: germline.

Illumina Laboratory Services, Illumina
Classification: Uncertain significance for Scapuloperoneal spinal muscular atrophy. Last evaluated: 2018-01-12. Review status: criteria provided, single submitter. Criteria: ICSL Variant Classification Criteria 13 December 2019. Collection method: clinical testing. Allele origin: germline.

Illumina Laboratory Services, Illumina
Classification: Uncertain significance for Charcot-Marie-Tooth disease axonal type 2C. Last evaluated: 2018-01-12. Review status: criteria provided, single submitter. Criteria: ICSL Variant Classification Criteria 13 December 2019. Collection method: clinical testing. Allele origin: germline.

Illumina Laboratory Services, Illumina
Classification: Uncertain significance for Spondylometaphyseal dysplasia, Kozlowski type. Last evaluated: 2018-01-12. Review status: criteria provided, single submitter. Criteria: ICSL Variant Classification Criteria 13 December 2019. Collection method: clinical testing. Allele origin: germline.